The following is an entry in ClinVar:

ClinVar aggregate classification (germline): Uncertain significance. Review status: criteria provided, multiple submitters, no conflicts (2 of 4 stars). 7 submissions from 7 submitters: Uncertain significance (6). 1 of the submissions does not count toward it. Last evaluated 2026-03-01.

Conditions:
Inborn genetic diseases. Identifiers: MedGen C0950123, MeSH D030342.
CYP4V2-related disorder. Also called: CYP4V2-related condition; CYP4V2-related disorders.
Retinal dystrophy. Also called: Inherited retinal dystrophy. Identifiers: Orphanet 71862, MedGen C0854723, MeSH D058499, MONDO:0019118, HP:0000556.

Allele frequency attached by ClinVar (database versions not stated): ESP Exome Variant Server 0.00016; gnomAD exomes 0.00024 and 0.00054; ExAC 0.00046; TOPMed 0.00025; gnomAD 0.00031 and 0.00034.
gnomAD v4.1: 815 of 1,584,654 alleles (0.051%); highest among the groups gnomAD compares: Non-Finnish European, 0.067%; no homozygotes.

Submissions (7):

PreventionGenetics, part of Exact Sciences
Classification: Uncertain significance for CYP4V2-related condition. Last evaluated: 2026-03-01. Review status: criteria provided, single submitter. Criteria: ACMG Guidelines, 2015. Collection method: clinical testing. Allele origin: germline.
Comment: The CYP4V2 c.169T>C variant is predicted to result in the amino acid substitution p.Tyr57His. This variant has been reported as a variant of uncertain significance in one individual with early-onset drusen maculopathy (de Breuk et al. 2022. PubMed ID: 36053979). This variant is reported in 0.047% of alleles in individuals of European (Non-Finnish) descent in gnomAD. At this time, the clinical significance of this variant is uncertain due to the absence of conclusive functional and genetic evidence.

Blueprint Genetics
Classification: Uncertain significance. Last evaluated: 2024-11-20. Review status: criteria provided, single submitter. Criteria: ACMG Guidelines, 2015. Collection method: clinical testing. Allele origin: germline.

Labcorp Genetics (formerly Invitae), Labcorp
Classification: Uncertain significance. Last evaluated: 2022-07-14. Review status: criteria provided, single submitter. Criteria: Invitae Variant Classification Sherloc (09022015). Collection method: clinical testing. Allele origin: germline.
Comment: This sequence change replaces tyrosine, which is neutral and polar, with histidine, which is basic and polar, at codon 57 of the CYP4V2 protein (p.Tyr57His). This variant is present in population databases (rs374174110, gnomAD 0.05%). This variant has not been reported in the literature in individuals affected with CYP4V2-related conditions. ClinVar contains an entry for this variant (Variation ID: 96675). Algorithms developed to predict the effect of missense changes on protein structure and function are either unavailable or do not agree on the potential impact of this missense change (SIFT: "Deleterious"; PolyPhen-2: "Probably Damaging"; Align-GVGD: "Class C0"). In summary, the available evidence is currently insufficient to determine the role of this variant in disease. Therefore, it has been classified as a Variant of Uncertain Significance.

Ambry Genetics
Classification: Uncertain significance for Inborn genetic diseases. Last evaluated: 2021-09-15. Review status: criteria provided, single submitter. Criteria: Ambry Variant Classification Scheme 2023. Collection method: clinical testing. Allele origin: germline.

CeGaT Center for Human Genetics Tuebingen
Classification: Uncertain significance. Last evaluated: 2020-09-01. Review status: criteria provided, single submitter. Criteria: CeGaT Center For Human Genetics Tuebingen Variant Classification Criteria Version 2. Collection method: clinical testing. Allele origin: germline. Affected: yes. Observed: 1 variant allele.

Eurofins Ntd Llc (ga)
Classification: Uncertain significance. Last evaluated: 2013-07-25. Review status: criteria provided, single submitter. Criteria: EGL Classification Definitions 2015. Collection method: clinical testing. Allele origin: germline. Observed: 1 variant allele, 1 heterozygote.

Institute of Human Genetics, Univ. Regensburg, Univ. Regensburg
Classification: Uncertain significance for Retinal dystrophy. Last evaluated: 2020-01-01. Review status: no assertion criteria provided. Criteria: ACMG Guidelines, 2015. Collection method: clinical testing. Allele origin: germline. Affected: yes. Not counted in ClinVar's aggregate classification.

NM_207352.4(CYP4V2):c.169T>C (p.Tyr57His)

Gene: CYP4V2 (cytochrome P450 family 4 subfamily V member 2; plus strand). Cytogenetic location: 4q35.1.
Variant type: single nucleotide variant.
Coding change: c.169T>C on transcript NM_207352.4 (MANE Select); coding-DNA position 169, T replaced by C.
Protein change: p.Tyr57His; replaces tyrosine 57 with histidine.
Molecular consequence: missense variant.
Genome position (GRCh38, 1-based): chr4:186,191,992, T>C. VCF-style: chr4-186191992-T-C. GRCh37 (hg19) VCF-style: chr4-187113146-T-C.
Other names: short protein forms Y57H.
Identifiers: ClinVar variation 96675 (VCV000096675.48), dbSNP rs374174110, ClinGen allele CA224406.